The following is an entry in ClinVar:

ClinVar aggregate classification (germline): Uncertain significance (1 of 4 stars; one submission).

Conditions:
Charcot-Marie-Tooth disease type 4. Also called: Charcot-Marie-Tooth, Type 4; Charcot-Marie-Tooth disease, type IV. Identifiers: Orphanet 64749, MedGen C4082197, MONDO:0018995.

Allele frequency attached by ClinVar (database versions not stated): gnomAD 0.00001; gnomAD exomes 0.00001 and 0.00002; ExAC 0.00002; TOPMed 0.00002.
gnomAD v4.1: 29 of 1,613,246 alleles (0.0018%); highest among the groups gnomAD compares: Non-Finnish European, 0.0023%; no homozygotes.

Submission:

Labcorp Genetics (formerly Invitae), Labcorp
Classification: Uncertain significance for Charcot-Marie-Tooth disease type 4. Last evaluated: 2022-06-20. Review status: criteria provided, single submitter. Criteria: Invitae Variant Classification Sherloc (09022015). Collection method: clinical testing. Allele origin: germline.
Comment: This sequence change replaces isoleucine, which is neutral and non-polar, with threonine, which is neutral and polar, at codon 272 of the FIG4 protein (p.Ile272Thr). This variant is present in population databases (rs765737780, gnomAD 0.005%). This missense change has been observed in individual(s) with clinical features of Charcot-Marie-Tooth disease (PMID: 32376792). ClinVar contains an entry for this variant (Variation ID: 407081). Algorithms developed to predict the effect of missense changes on protein structure and function are either unavailable or do not agree on the potential impact of this missense change (SIFT: "Deleterious"; PolyPhen-2: "Probably Damaging"; Align-GVGD: "Class C0"). Algorithms developed to predict the effect of sequence changes on RNA splicing suggest that this variant may create or strengthen a splice site. In summary, the available evidence is currently insufficient to determine the role of this variant in disease. Therefore, it has been classified as a Variant of Uncertain Significance.

Literature cited by the submitters: PubMed 32376792.

NM_014845.6(FIG4):c.815T>C (p.Ile272Thr)

Gene: FIG4 (FIG4 phosphoinositide 5-phosphatase; plus strand). Cytogenetic location: 6q21.
Variant type: single nucleotide variant.
Coding change: c.815T>C on transcript NM_014845.6 (MANE Select); coding-DNA position 815, T replaced by C.
Protein change: p.Ile272Thr; replaces isoleucine 272 with threonine.
Molecular consequence: missense variant.
Genome position (GRCh38, 1-based): chr6:109,741,483, T>C. VCF-style: chr6-109741483-T-C. GRCh37 (hg19) VCF-style: chr6-110062686-T-C.
Other names: short protein forms I272T.
Identifiers: ClinVar variation 407081 (VCV000407081.6), dbSNP rs765737780, ClinGen allele CA3955917.